The following is an entry in ClinVar:

NM_017882.3(CLN6):c.838C>A (p.Leu280Met)

Gene: CLN6 (CLN6 transmembrane ER protein; minus strand). Cytogenetic location: 15q23.
Variant type: single nucleotide variant.
Coding change: c.838C>A on transcript NM_017882.3 (MANE Select); coding-DNA position 838, C replaced by A.
Protein change: p.Leu280Met; replaces leucine 280 with methionine.
Molecular consequence: missense variant.
Genome position (GRCh38, 1-based): chr15:68,208,238, G>T on the plus strand (C>A on the coding strand, the complement: CLN6 is on the minus strand). VCF-style: chr15-68208238-G-T. GRCh37 (hg19) VCF-style: chr15-68500576-G-T.
Other names: c.934C>A, p.Leu312Met (NM_001411068.1); short protein forms L280M, L312M.
Identifiers: ClinVar variation 2092212 (VCV002092212.1), dbSNP rs2505401332, ClinGen allele CA392971806.

ClinVar aggregate classification (germline): Uncertain significance (1 of 4 stars; one submission).

Conditions:
Neuronal ceroid lipofuscinosis. Also called: Neuronal Ceroid Lipofuscinoses. Identifiers: Orphanet 216, Orphanet 79263, MedGen C0027877, MONDO:0016295. Disease mechanism: loss of function.

Allele frequency attached by ClinVar (database versions not stated): gnomAD exomes below 0.00001.
gnomAD v4.1: 1 of 1,614,088 alleles (0.000062%); highest among the groups gnomAD compares: Non-Finnish European, 0.000085%; no homozygotes.

Submission:

Labcorp Genetics (formerly Invitae), Labcorp
Classification: Uncertain significance for Neuronal ceroid lipofuscinosis. Last evaluated: 2022-02-03. Review status: criteria provided, single submitter. Criteria: Invitae Variant Classification Sherloc (09022015). Collection method: clinical testing. Allele origin: germline.
Comment: This sequence change replaces leucine, which is neutral and non-polar, with methionine, which is neutral and non-polar, at codon 280 of the CLN6 protein (p.Leu280Met). This variant is not present in population databases (gnomAD no frequency). This variant has not been reported in the literature in individuals affected with CLN6-related conditions. Algorithms developed to predict the effect of missense changes on protein structure and function are either unavailable or do not agree on the potential impact of this missense change (SIFT: "Deleterious"; PolyPhen-2: "Probably Damaging"; Align-GVGD: "Class C0"). In summary, the available evidence is currently insufficient to determine the role of this variant in disease. Therefore, it has been classified as a Variant of Uncertain Significance.